The following is an entry in ClinVar:

NM_194248.3(OTOF):c.3286C>T (p.Gln1096Ter)

Gene: OTOF (otoferlin; minus strand). Cytogenetic location: 2p23.3.
Variant type: single nucleotide variant.
Coding change: c.3286C>T on transcript NM_194248.3 (MANE Select); coding-DNA position 3286, C replaced by T.
Protein change: p.Gln1096Ter; replaces glutamine 1096 with a stop codon.
Molecular consequence: nonsense.
Genome position (GRCh38, 1-based): chr2:26,474,515, G>A on the plus strand (C>T on the coding strand, the complement: OTOF is on the minus strand). VCF-style: chr2-26474515-G-A. GRCh37 (hg19) VCF-style: chr2-26697383-G-A.
Other names: c.3286C>T, p.Gln1096Ter (NM_001287489.2); c.1045C>T, p.Gln349Ter (NM_004802.4, NM_194323.3); c.1216C>T, p.Gln406Ter (NM_194322.3); short protein forms Q406*, Q1096*, Q349*.
Identifiers: ClinVar variation 2769206 (VCV002769206.3), dbSNP rs1665160360, ClinGen allele CA346108270.
Genomic context (GRCh38, chr2:26,474,515, plus strand): 5'-GGCCCCAACTCCCAGCCTCCAGTCCCCAGGCCTCAGCCCCTCTTCCCTGCAGTCCCACCT[G>A]CAGCAGCTCGAAGGCCGCCAGCAGGTCTCCAGCTGTGGCGTTGCCACGGTAGATCTGGTA-3'

ClinVar aggregate classification (germline): Pathogenic (1 of 4 stars; one submission).

Allele frequency attached by ClinVar (database versions not stated): gnomAD 0.00001.

Submission:

Labcorp Genetics (formerly Invitae), Labcorp
Classification: Pathogenic. Last evaluated: 2023-10-16. Review status: criteria provided, single submitter. Criteria: Invitae Variant Classification Sherloc (09022015). Collection method: clinical testing. Allele origin: germline.
Comment: This sequence change creates a premature translational stop signal (p.Gln1096*) in the OTOF gene. It is expected to result in an absent or disrupted protein product. Loss-of-function variants in OTOF are known to be pathogenic (PMID: 18381613, 19250381, 22575033). This variant is not present in population databases (gnomAD no frequency). This variant has not been reported in the literature in individuals affected with OTOF-related conditions. Algorithms developed to predict the effect of sequence changes on RNA splicing suggest that this variant may create or strengthen a splice site. For these reasons, this variant has been classified as Pathogenic.

Literature cited by the submitters: PubMed 18381613; PubMed 19250381; PubMed 22575033.